The following is an entry in ClinVar:

NM_006231.4(POLE):c.5847G>A (p.Glu1949=)

Gene: POLE (DNA polymerase epsilon, catalytic subunit; minus strand). Cytogenetic location: 12q24.33.
Variant type: single nucleotide variant.
Coding change: c.5847G>A on transcript NM_006231.4 (MANE Select); coding-DNA position 5847, G replaced by A.
Protein change: p.Glu1949=; no amino-acid change (glutamic acid 1949 retained).
Molecular consequence: synonymous variant.
Genome position (GRCh38, 1-based): chr12:132,634,343, C>T on the plus strand (G>A on the coding strand, the complement: POLE is on the minus strand). VCF-style: chr12-132634343-C-T. GRCh37 (hg19) VCF-style: chr12-133210929-C-T.
Identifiers: ClinVar variation 1750043 (VCV001750043.9), dbSNP rs2541860355, ClinGen allele CA482725806.
Genomic context (GRCh38, chr12:132,634,343, plus strand): 5'-TTCCTCCGCCTCTTCCTCCTCCTCCCCATCTCTTTCCTCCTCATCGTCCTCATTTTCCTG[C>T]TCATCCTCTGCTCCCCCTGCTTTCTGGGAGTCTTGCTGTAACACATGAGACAACGCGGCT-3'
Protein context (NP_006222.2, residues 1939-1959): DSQKAGGAED[Glu1949=]QENEDDEEER

ClinVar aggregate classification (germline): Likely benign. Review status: criteria provided, multiple submitters, no conflicts (2 of 4 stars). 3 submissions from 3 submitters: Likely benign (2). 1 of the submissions does not count toward it. Last evaluated 2025-10-08.

Conditions:
POLE-related disorder. Also called: POLE-related condition; POLE-related disorders.
Hereditary cancer-predisposing syndrome. Also called: Hereditary Cancer Syndrome; Hereditary neoplastic syndrome; Neoplastic Syndromes, Hereditary; Tumor predisposition. Identifiers: Orphanet 140162, MedGen C0027672, MeSH D009386, MONDO:0015356.

Allele frequency attached by ClinVar (database versions not stated): gnomAD exomes below 0.00001.
gnomAD v4.1: 1 of 1,614,020 alleles (0.000062%); highest among the groups gnomAD compares: Admixed American, 0.0017%; no homozygotes.

Submissions (3):

Labcorp Genetics (formerly Invitae), Labcorp
Classification: Likely benign. Last evaluated: 2025-10-08. Review status: criteria provided, single submitter. Criteria: Invitae Variant Classification Sherloc (09022015). Collection method: clinical testing. Allele origin: germline.

Ambry Genetics
Classification: Likely benign for Hereditary cancer-predisposing syndrome. Last evaluated: 2018-02-26. Review status: criteria provided, single submitter. Criteria: Ambry Variant Classification Scheme 2023. Collection method: clinical testing. Allele origin: germline.

PreventionGenetics, part of Exact Sciences
Classification: Likely benign for POLE-related condition. Last evaluated: 2021-12-17. Review status: no assertion criteria provided. Collection method: clinical testing. Allele origin: germline. Not counted in ClinVar's aggregate classification.
Comment: This variant is classified as likely benign based on ACMG/AMP sequence variant interpretation guidelines (Richards et al. 2015 PMID: 25741868, with internal and published modifications).